The following is an entry in ClinVar:

NM_000540.3(RYR1):c.10358G>A (p.Arg3453His)

Gene: RYR1 (ryanodine receptor 1; plus strand). Cytogenetic location: 19q13.2.
Variant type: single nucleotide variant.
Coding change: c.10358G>A on transcript NM_000540.3 (MANE Select); coding-DNA position 10358, G replaced by A.
Protein change: p.Arg3453His; replaces arginine 3453 with histidine.
Molecular consequence: missense variant.
Genome position (GRCh38, 1-based): chr19:38,523,227, G>A. VCF-style: chr19-38523227-G-A. GRCh37 (hg19) VCF-style: chr19-39013867-G-A.
Other names: c.10358G>A (NM_000540.2); c.10358G>A, p.Arg3453His (NM_001042723.2); short protein forms R3453H.
Identifiers: ClinVar variation 1018357 (VCV001018357.9), dbSNP rs187802601, ClinGen allele CA053287.

ClinVar aggregate classification (germline): Uncertain significance. Review status: criteria provided, multiple submitters, no conflicts (2 of 4 stars). 4 submissions from 4 submitters: Uncertain significance (4). Last evaluated 2025-10-18.

Conditions:
RYR1-related disorder. Also called: RYR1-related disorders; RYR1-related condition. Identifiers: MedGen CN239331.
Malignant hyperthermia, susceptibility to, 1 (MHS1). Also called: Malignant hyperthermia suceptibility 1; RYR1-Related Malignant Hyperthermia Susceptibility; Anesthesia related hyperthermia; Malignant hyperpyrexia; Fulminating hyperpyrexia; Pharmacogenic myopathy. Identifiers: Orphanet 423, MedGen C2930980, MONDO:0007783, OMIM 145600.

Allele frequency attached by ClinVar (database versions not stated): gnomAD exomes 0.00001 and 0.00004; TOPMed 0.00001; gnomAD 0.00002 and 0.00003; ExAC 0.00005; 1000 Genomes Project 30x 0.00016; 1000 Genomes Project 0.00020.
gnomAD v4.1: 23 of 1,614,196 alleles (0.0014%); highest among the groups gnomAD compares: Admixed American, 0.015%; no homozygotes.

Submissions (4):

Labcorp Genetics (formerly Invitae), Labcorp
Classification: Uncertain significance for RYR1-related disorder. Last evaluated: 2025-10-18. Review status: criteria provided, single submitter. Criteria: Invitae Variant Classification Sherloc (09022015). Collection method: clinical testing. Allele origin: germline.
Comment: This sequence change replaces arginine, which is basic and polar, with histidine, which is basic and polar, at codon 3453 of the RYR1 protein (p.Arg3453His). This variant is present in population databases (rs187802601, gnomAD 0.02%). This variant has not been reported in the literature in individuals affected with RYR1-related conditions. ClinVar contains an entry for this variant (Variation ID: 1018357). Invitae Evidence Modeling of protein sequence and biophysical properties (such as structural, functional, and spatial information, amino acid conservation, physicochemical variation, residue mobility, and thermodynamic stability) indicates that this missense variant is not expected to disrupt RYR1 protein function with a negative predictive value of 80%. In summary, the available evidence is currently insufficient to determine the role of this variant in disease. Therefore, it has been classified as a Variant of Uncertain Significance.

Color Diagnostics, LLC DBA Color Health
Classification: Uncertain significance for Malignant hyperthermia, susceptibility to, 1. Last evaluated: 2025-07-01. Review status: criteria provided, single submitter. Criteria: ACMG Guidelines, 2015. Collection method: clinical testing. Allele origin: germline.
Comment: This missense variant replaces arginine with histidine at codon 3453 of the RYR1 protein. Computational prediction suggests that this variant may have deleterious impact on protein structure and function. To our knowledge, functional studies have not been reported for this variant. This variant has not been reported in individuals affected with RYR1-related disorders in the literature. This variant has been identified in 10/282856 chromosomes in the general population by the Genome Aggregation Database (gnomAD). The available evidence is insufficient to determine the role of this variant in disease conclusively. Therefore, this variant is classified as a Variant of Uncertain Significance.

GeneDx
Classification: Uncertain significance. Last evaluated: 2025-06-24. Review status: criteria provided, single submitter. Criteria: GeneDx Variant Classification Process June 2021. Collection method: clinical testing. Allele origin: germline. Affected: yes.
Comment: In silico analysis supports that this missense variant has a deleterious effect on protein structure/function; Has not been previously published as pathogenic or benign to our knowledge

Revvity Omics, Revvity
Classification: Uncertain significance. Last evaluated: 2021-09-22. Review status: criteria provided, single submitter. Criteria: ACMG Guidelines, 2015. Collection method: clinical testing. Allele origin: germline.